The following is an entry in ClinVar:

NM_001365951.3(KIF1B):c.284C>A (p.Ala95Asp)

Gene: KIF1B (kinesin family member 1B; plus strand). Cytogenetic location: 1p36.22.
Variant type: single nucleotide variant.
Coding change: c.284C>A on transcript NM_001365951.3 (MANE Select); coding-DNA position 284, C replaced by A.
Protein change: p.Ala95Asp; replaces alanine 95 with aspartic acid.
Molecular consequence: missense variant.
Genome position (GRCh38, 1-based): chr1:10,258,593, C>A. VCF-style: chr1-10258593-C-A. GRCh37 (hg19) VCF-style: chr1-10318651-C-A.
Other names: c.284C>A, p.Ala95Asp (NM_001365952.1, NM_001365953.1, NM_015074.3 and 1 more transcripts); short protein forms A95D.
Identifiers: ClinVar variation 4043084 (VCV004043084.1).
Genomic context (GRCh38, chr1:10,258,593, plus strand): 5'-ATGACATTGGCAAGGAAATGCTCTTACACGCCTTTGAGGGATATAATGTCTGTATTTTTG[C>A]CTATGGGCAGACTGGTGCTGGAAAATCTTATACAATGATGGGTAAACAAGAAGAAAGCCA-3'
Protein context (NP_001352880.1, residues 85-105): AFEGYNVCIF[Ala95Asp]YGQTGAGKSY

ClinVar aggregate classification (germline): Uncertain significance (1 of 4 stars; one submission).

Submission:

Ambry Genetics
Classification: Uncertain significance. Last evaluated: 2025-03-26. Review status: criteria provided, single submitter. Criteria: Ambry Variant Classification Scheme 2023. Collection method: clinical testing. Allele origin: germline.
Comment: The p.A95D variant (also known as c.284C>A), located in coding exon 3 of the KIF1B gene, results from a C to A substitution at nucleotide position 284. The alanine at codon 95 is replaced by aspartic acid, an amino acid with dissimilar properties. This amino acid position is conserved. In addition, this alteration is predicted to be deleterious by in silico analysis. Based on the available evidence, the clinical significance of this variant remains unclear.